The following is an entry in ClinVar:

NC_000015.9:g.(?_42651697)_(42704516_?)del

Gene: CAPN3 (calpain 3; plus strand). Cytogenetic location: 15q15.1.
Variant type: Deletion.
Identifiers: ClinVar variation 1696071 (VCV001696071.1).

ClinVar aggregate classification (germline): Pathogenic (1 of 4 stars; one submission).

Conditions:
Autosomal recessive limb-girdle muscular dystrophy. Identifiers: Orphanet 102015, MedGen C2931907, MONDO:0015152.

Submission:

Women's Health and Genetics/Laboratory Corporation of America, LabCorp
Classification: Pathogenic for Autosomal recessive limb-girdle muscular dystrophy. Last evaluated: 2022-05-16. Review status: criteria provided, single submitter. Criteria: LabCorp Variant Classification Summary - May 2015. Collection method: clinical testing. Allele origin: germline.
Comment: Variant summary: The variant identified by MLPA or other technology involves the deletion of the entire coding sequence of the CAPN3 gene. A presumed nomenclature of c.(?_-307)_(*545_?)del has been designated for the purposes of this classification. The variant was absent in 21694 control chromosomes (gnomAD, structural variance dataset). c.(?_-307)_(*545_?)del has been reported in the literature in two compound heterozygous siblings affected with Limb-Girdle Muscular Dystrophy, Autosomal Recessive (Jaka_2014). These data indicate that the variant is likely to be associated with disease. One ClinVar submitter has assessed the variant since 2014: the variant was classified as pathogenic. Based on the evidence outlined above, the variant was classified as pathogenic.

Literature cited by the submitters: PubMed 24715573.